The following is an entry in ClinVar:

ClinVar aggregate classification (germline): Pathogenic (1 of 4 stars; one submission).

Conditions:
Bardet-Biedl syndrome (BBS). Identifiers: Orphanet 110, MedGen C0752166, MONDO:0015229.

Submission:

Labcorp Genetics (formerly Invitae), Labcorp
Classification: Pathogenic for Bardet-Biedl syndrome. Last evaluated: 2021-12-15. Review status: criteria provided, single submitter. Criteria: Invitae Variant Classification Sherloc (09022015). Collection method: clinical testing. Allele origin: germline.
Comment: This variant is not present in population databases (gnomAD no frequency). This sequence change creates a premature translational stop signal (p.Trp575*) in the BBS12 gene. While this is not anticipated to result in nonsense mediated decay, it is expected to disrupt the last 136 amino acid(s) of the BBS12 protein. This variant has not been reported in the literature in individuals affected with BBS12-related conditions. Algorithms developed to predict the effect of sequence changes on RNA splicing suggest that this variant may create or strengthen a splice site. This variant disrupts a region of the BBS12 protein in which other variant(s) (p.Asp687Valfs*3) have been determined to be pathogenic (Invitae). This suggests that this is a clinically significant region of the protein, and that variants that disrupt it are likely to be disease-causing. For these reasons, this variant has been classified as Pathogenic.

NM_152618.3(BBS12):c.1724G>A (p.Trp575Ter)

Gene: BBS12 (Bardet-Biedl syndrome 12; plus strand). Cytogenetic location: 4q27.
Variant type: single nucleotide variant.
Coding change: c.1724G>A on transcript NM_152618.3 (MANE Select); coding-DNA position 1724, G replaced by A.
Protein change: p.Trp575Ter; replaces tryptophan 575 with a stop codon.
Molecular consequence: nonsense.
Genome position (GRCh38, 1-based): chr4:122,743,616, G>A. VCF-style: chr4-122743616-G-A. GRCh37 (hg19) VCF-style: chr4-123664771-G-A.
Other names: c.1724G>A, p.Trp575Ter (NM_001178007.2); short protein forms W575*.
Identifiers: ClinVar variation 1447228 (VCV001447228.6), dbSNP rs2150737680, ClinGen allele CA358225741.
Genomic context (GRCh38, chr4:122,743,616, plus strand): 5'-AGCAATCTCTGAAAAAAGAAAACCATGCCTGCTCAGGGTGGCTGCATAATACTTCCTCTT[G>A]GCTGGCTTCATCTCTGGCAATATACAGACCAACTGTGCTTAAATTCCTGGCAAATGGATG-3'